The following is an entry in ClinVar:

ClinVar aggregate classification (germline): Uncertain significance (1 of 4 stars; one submission).

Allele frequency attached by ClinVar (database versions not stated): gnomAD exomes below 0.00001.
gnomAD v4.1: 2 of 1,613,550 alleles (0.00012%); highest among the groups gnomAD compares: Non-Finnish European, 0.00017%; no homozygotes.

Submission:

Labcorp Genetics (formerly Invitae), Labcorp
Classification: Uncertain significance. Last evaluated: 2022-04-25. Review status: criteria provided, single submitter. Criteria: Invitae Variant Classification Sherloc (09022015). Collection method: clinical testing. Allele origin: germline.
Comment: In summary, the available evidence is currently insufficient to determine the role of this variant in disease. Therefore, it has been classified as a Variant of Uncertain Significance. Algorithms developed to predict the effect of missense changes on protein structure and function (SIFT, PolyPhen-2, Align-GVGD) all suggest that this variant is likely to be tolerated. This variant has not been reported in the literature in individuals affected with A2ML1-related conditions. This variant is not present in population databases (gnomAD no frequency). This sequence change replaces glutamic acid, which is acidic and polar, with glutamine, which is neutral and polar, at codon 576 of the A2ML1 protein (p.Glu576Gln).

NM_144670.6(A2ML1):c.1726G>C (p.Glu576Gln)

Gene: A2ML1 (alpha-2-macroglobulin like 1; plus strand). Cytogenetic location: 12p13.31.
Variant type: single nucleotide variant.
Coding change: c.1726G>C on transcript NM_144670.6 (MANE Select); coding-DNA position 1726, G replaced by C.
Protein change: p.Glu576Gln; replaces glutamic acid 576 with glutamine.
Molecular consequence: missense variant.
Genome position (GRCh38, 1-based): chr12:8,847,591, G>C. VCF-style: chr12-8847591-G-C. GRCh37 (hg19) VCF-style: chr12-9000187-G-C.
Other names: c.253G>C, p.Glu85Gln (NM_001282424.3); short protein forms E576Q, E85Q.
Identifiers: ClinVar variation 2171694 (VCV002171694.4), dbSNP rs2539242065, ClinGen allele CA383828539.